The following is an entry in ClinVar:

ClinVar aggregate classification (germline): Uncertain significance (1 of 4 stars; one submission).

Conditions:
CCDC88C-related disorder. Also called: CCDC88C-Related Disorders; CCDC88C-related condition.

gnomAD v4.1: 3 of 1,556,948 alleles (0.00019%); highest among the groups gnomAD compares: African/African-American, 0.0014%; no homozygotes.

Submission:

PreventionGenetics, part of Exact Sciences
Classification: Uncertain significance for CCDC88C-related condition. Last evaluated: 2025-06-18. Review status: criteria provided, single submitter. Criteria: ACMG Guidelines, 2015. Collection method: clinical testing. Allele origin: germline.
Comment: The CCDC88C c.5735G>A variant is predicted to result in the amino acid substitution p.Gly1912Asp. To our knowledge, this variant has not been reported in the literature or in a large population database (gnomAD), indicating this variant is rare. At this time, the clinical significance of this variant is uncertain due to the absence of conclusive functional and genetic evidence.

NM_001080414.4(CCDC88C):c.5735G>A (p.Gly1912Asp)

Gene: CCDC88C (coiled-coil and HOOK domain protein 88C; minus strand). Cytogenetic location: 14q32.11.
Variant type: single nucleotide variant.
Coding change: c.5735G>A on transcript NM_001080414.4 (MANE Select); coding-DNA position 5735, G replaced by A.
Protein change: p.Gly1912Asp; replaces glycine 1912 with aspartic acid.
Molecular consequence: missense variant. On other transcripts: non-coding transcript variant (2).
Genome position (GRCh38, 1-based): chr14:91,272,977, C>T on the plus strand (G>A on the coding strand, the complement: CCDC88C is on the minus strand). VCF-style: chr14-91272977-C-T. GRCh37 (hg19) VCF-style: chr14-91739321-C-T.
Other names: short protein forms G1912D.
Identifiers: ClinVar variation 5001498 (VCV005001498.1).